The following is an entry in ClinVar:

ClinVar aggregate classification (germline): Uncertain significance (1 of 4 stars; one submission).

gnomAD v4.1: 3 of 1,614,148 alleles (0.00019%); highest among the groups gnomAD compares: Non-Finnish European, 0.00025%; no homozygotes.

Submission:

GeneDx
Classification: Uncertain significance. Last evaluated: 2026-02-27. Review status: criteria provided, single submitter. Criteria: GeneDx Variant Classification Process June 2021. Collection method: clinical testing. Allele origin: germline.
Comment: Not observed at significant frequency in large population cohorts (gnomAD); In silico analysis supports that this missense variant has a deleterious effect on protein structure/function; Has not been previously published as pathogenic or benign to our knowledge

NM_002474.3(MYH11):c.1696C>A (p.Pro566Thr)

Gene: MYH11 (myosin heavy chain 11; minus strand). Cytogenetic location: 16p13.11.
Variant type: single nucleotide variant.
Coding change: c.1696C>A on transcript NM_002474.3 (MANE Select); coding-DNA position 1696, C replaced by A.
Protein change: p.Pro566Thr; replaces proline 566 with threonine.
Molecular consequence: missense variant.
Genome position (GRCh38, 1-based): chr16:15,756,394, G>T on the plus strand (C>A on the coding strand, the complement: MYH11 is on the minus strand). VCF-style: chr16-15756394-G-T. GRCh37 (hg19) VCF-style: chr16-15850251-G-T.
Other names: c.1717C>A, p.Pro573Thr (NM_001040113.2, NM_001040114.2); c.1696C>A, p.Pro566Thr (NM_022844.3); short protein forms P573T, P566T.
Identifiers: ClinVar variation 5008180 (VCV005008180.1).